The following is an entry in ClinVar:

ClinVar aggregate classification (germline): Likely pathogenic (1 of 4 stars; one submission).

Submission:

GeneDx
Classification: Likely pathogenic. Last evaluated: 2016-07-14. Review status: criteria provided, single submitter. Criteria: GeneDx Variant Classification (06012015). Collection method: clinical testing. Allele origin: germline. Affected: yes.
Comment: The R492G variant in the ZBTB18 gene has not been reported previously as a pathogenic variant, nor as a benign variant, to our knowledge. The R492G variant was not observed in approximately 6,500 individuals of European and African American ancestry in the NHLBI Exome Sequencing Project, indicating it is not a common benign variant in these populations. The R492G variant is a non-conservative amino acid substitution, which is likely to impact secondary protein structure as these residues differ in polarity, charge, size and/or other properties. This substitution occurs at a position that is conserved across species. In silico analysis predicts this variant is probably damaging to the protein structure/function. Therefore, we interpret R492G as a likely pathogenic variant.

NM_205768.3(ZBTB18):c.1474A>G (p.Arg492Gly)

Gene: ZBTB18 (zinc finger and BTB domain containing 18; plus strand). Cytogenetic location: 1q44.
Variant type: single nucleotide variant.
Coding change: c.1474A>G on transcript NM_205768.3 (MANE Select); coding-DNA position 1474, A replaced by G.
Protein change: p.Arg492Gly; replaces arginine 492 with glycine.
Molecular consequence: missense variant.
Genome position (GRCh38, 1-based): chr1:244,055,248, A>G. VCF-style: chr1-244055248-A-G. GRCh37 (hg19) VCF-style: chr1-244218550-A-G.
Other names: c.1447A>G, p.Arg483Gly (NM_001278196.2, NM_006352.5); short protein forms R492G, R483G.
Identifiers: ClinVar variation 421626 (VCV000421626.2), dbSNP rs1064795259, ClinGen allele CA16617123.